The following is an entry in ClinVar:

NM_020937.4(FANCM):c.4151C>T (p.Ser1384Leu)

Gene: FANCM (FA complementation group M; plus strand). Cytogenetic location: 14q21.2.
Variant type: single nucleotide variant.
Coding change: c.4151C>T on transcript NM_020937.4 (MANE Select); coding-DNA position 4151, C replaced by T.
Protein change: p.Ser1384Leu; replaces serine 1384 with leucine.
Molecular consequence: missense variant.
Genome position (GRCh38, 1-based): chr14:45,176,905, C>T. VCF-style: chr14-45176905-C-T. GRCh37 (hg19) VCF-style: chr14-45646108-C-T.
Other names: c.4073C>T, p.Ser1358Leu (NM_001308133.2); short protein forms S1358L, S1384L.
Identifiers: ClinVar variation 4022765 (VCV004022765.1).

ClinVar aggregate classification (germline): Uncertain significance (1 of 4 stars; one submission).

Conditions:
Inborn genetic diseases. Identifiers: MedGen C0950123, MeSH D030342.

gnomAD v4.1: 5 of 1,611,502 alleles (0.00031%); highest among the groups gnomAD compares: Non-Finnish European, 0.00034%; no homozygotes.

Submission:

Ambry Genetics
Classification: Uncertain significance for Inborn genetic diseases. Last evaluated: 2025-05-09. Review status: criteria provided, single submitter. Criteria: Ambry Variant Classification Scheme 2023. Collection method: clinical testing. Allele origin: germline.
Comment: The p.S1384L variant (also known as c.4151C>T), located in coding exon 14 of the FANCM gene, results from a C to T substitution at nucleotide position 4151. The serine at codon 1384 is replaced by leucine, an amino acid with dissimilar properties. This amino acid position is conserved. In addition, this alteration is predicted to be tolerated by in silico analysis. Based on the available evidence, the clinical significance of this variant remains unclear.